The following is an entry in ClinVar:

NM_022773.4(LMF1):c.363C>G (p.Asp121Glu)

Gene: LMF1 (lipase maturation factor 1; minus strand). Cytogenetic location: 16p13.3.
Variant type: single nucleotide variant.
Coding change: c.363C>G on transcript NM_022773.4 (MANE Select); coding-DNA position 363, C replaced by G.
Protein change: p.Asp121Glu; replaces aspartic acid 121 with glutamic acid.
Molecular consequence: missense variant. On other transcripts: 5 prime UTR variant (3), non-coding transcript variant (1).
Genome position (GRCh38, 1-based): chr16:954,497, G>C on the plus strand (C>G on the coding strand, the complement: LMF1 is on the minus strand). VCF-style: chr16-954497-G-C. GRCh37 (hg19) VCF-style: chr16-1004497-G-C.
Other names: c.-441C>G (NM_001352017.2); c.-192C>G (NM_001352018.2); c.36C>G, p.Asp12Glu (NM_001352019.2); c.363C>G, p.Asp121Glu (NM_001352020.1); c.-343C>G (NM_001352021.2); short protein forms D121E, D12E.
Identifiers: ClinVar variation 1462738 (VCV001462738.8), dbSNP rs1274682128, ClinGen allele CA394104704.

ClinVar aggregate classification (germline): Uncertain significance (1 of 4 stars; one submission).

Allele frequency attached by ClinVar (database versions not stated): gnomAD 0.00001; gnomAD exomes 0.00001; TOPMed 0.00001.
gnomAD v4.1: 48 of 1,612,694 alleles (0.003%); highest among the groups gnomAD compares: Non-Finnish European, 0.004%; no homozygotes.

Submission:

Labcorp Genetics (formerly Invitae), Labcorp
Classification: Uncertain significance. Last evaluated: 2021-05-07. Review status: criteria provided, single submitter. Criteria: Invitae Variant Classification Sherloc (09022015). Collection method: clinical testing. Allele origin: germline.
Comment: In summary, the available evidence is currently insufficient to determine the role of this variant in disease. Therefore, it has been classified as a Variant of Uncertain Significance. Algorithms developed to predict the effect of missense changes on protein structure and function (SIFT, PolyPhen-2, Align-GVGD) all suggest that this variant is likely to be tolerated, but these predictions have not been confirmed by published functional studies and their clinical significance is uncertain. This variant has not been reported in the literature in individuals with LMF1-related conditions. This variant is not present in population databases (ExAC no frequency). This sequence change replaces aspartic acid with glutamic acid at codon 121 of the LMF1 protein (p.Asp121Glu). The aspartic acid residue is weakly conserved and there is a small physicochemical difference between aspartic acid and glutamic acid.